The following is an entry in ClinVar:

NM_002230.4(JUP):c.964T>C (p.Tyr322His)

Gene: JUP (junction plakoglobin; minus strand). Cytogenetic location: 17q21.2.
Variant type: single nucleotide variant.
Coding change: c.964T>C on transcript NM_002230.4 (MANE Select); coding-DNA position 964, T replaced by C.
Protein change: p.Tyr322His; replaces tyrosine 322 with histidine.
Molecular consequence: missense variant.
Genome position (GRCh38, 1-based): chr17:41,765,013, A>G on the plus strand (T>C on the coding strand, the complement: JUP is on the minus strand). VCF-style: chr17-41765013-A-G. GRCh37 (hg19) VCF-style: chr17-39921265-A-G.
Other names: c.964T>C, p.Tyr322His (NM_001352773.2, NM_001352774.2, NM_001352775.2 and 3 more transcripts); short protein forms Y322H.
Identifiers: ClinVar variation 1416925 (VCV001416925.10), dbSNP rs557075259, ClinGen allele CA8565328.

ClinVar aggregate classification (germline): Uncertain significance. Review status: criteria provided, multiple submitters, no conflicts (2 of 4 stars). 4 submissions from 4 submitters: Uncertain significance (4). Last evaluated 2025-07-24.

Conditions:
Arrhythmogenic right ventricular dysplasia 12. Also called: ARRHYTHMOGENIC RIGHT VENTRICULAR DYSPLASIA, FAMILIAL, 12. Identifiers: MedGen C1969081, MONDO:0012684, OMIM 611528.
Naxos disease (NXD). Also called: KERATOSIS PALMOPLANTARIS WITH ARRHYTHMOGENIC CARDIOMYOPATHY; MAL DE NAXOS; PALMOPLANTAR KERATODERMA WITH ARRHYTHMOGENIC RIGHT VENTRICULAR CARDIOMYOPATHY AND WOOLLY HAIR; WOOLLY HAIR, PALMOPLANTAR KERATODERMA, AND CARDIAC ABNORMALITIES; CARDIOMYOPATHY, ARRHYTHMOGENIC RIGHT VENTRICULAR, WITH SKIN, HAIR, AND NAIL ABNORMALITIES. Identifiers: Orphanet 34217, MedGen C1832600, MONDO:0011017, OMIM 601214.
Cardiovascular phenotype. Identifiers: MedGen CN230736.

Allele frequency attached by ClinVar (database versions not stated): gnomAD exomes below 0.00001 and 0.00002; ExAC 0.00001; TOPMed 0.00002.
gnomAD v4.1: 5 of 1,614,084 alleles (0.00031%); highest among the groups gnomAD compares: Admixed American, 0.0067%; no homozygotes.

Submissions (4):

Women's Health and Genetics/Laboratory Corporation of America, LabCorp
Classification: Uncertain significance. Last evaluated: 2025-07-24. Review status: criteria provided, single submitter. Criteria: LabCorp Variant Classification Summary - May 2015. Collection method: clinical testing. Allele origin: germline.

Fulgent Genetics
Classification: Uncertain significance for Naxos disease; Arrhythmogenic right ventricular dysplasia 12. Last evaluated: 2021-09-14. Review status: criteria provided, single submitter. Criteria: ACMG Guidelines, 2015. Collection method: clinical testing. Allele origin: unknown.

Labcorp Genetics (formerly Invitae), Labcorp
Classification: Uncertain significance for Arrhythmogenic right ventricular dysplasia 12; Naxos disease. Last evaluated: 2021-04-14. Review status: criteria provided, single submitter. Criteria: Invitae Variant Classification Sherloc (09022015). Collection method: clinical testing. Allele origin: germline.
Comment: This variant has not been reported in the literature in individuals with JUP-related conditions. Algorithms developed to predict the effect of missense changes on protein structure and function are either unavailable or do not agree on the potential impact of this missense change (SIFT: "Deleterious"; PolyPhen-2: "Possibly Damaging"; Align-GVGD: "Class C0"). In summary, the available evidence is currently insufficient to determine the role of this variant in disease. Therefore, it has been classified as a Variant of Uncertain Significance. This variant is present in population databases (rs557075259, ExAC 0.009%). This sequence change replaces tyrosine with histidine at codon 322 of the JUP protein (p.Tyr322His). The tyrosine residue is highly conserved and there is a moderate physicochemical difference between tyrosine and histidine.

Ambry Genetics
Classification: Uncertain significance for Cardiovascular phenotype. Last evaluated: 2020-02-20. Review status: criteria provided, single submitter. Criteria: Ambry Variant Classification Scheme 2023. Collection method: clinical testing. Allele origin: germline.
Comment: The p.Y322H variant (also known as c.964T>C), located in coding exon 5 of the JUP gene, results from a T to C substitution at nucleotide position 964. The tyrosine at codon 322 is replaced by histidine, an amino acid with similar properties. This amino acid position is highly conserved in available vertebrate species. In addition, the in silico prediction for this alteration is inconclusive. Since supporting evidence is limited at this time, the clinical significance of this alteration remains unclear.